The following is an entry in ClinVar:

ClinVar aggregate classification (germline): Likely pathogenic (1 of 4 stars; one submission).

Conditions:
Progressive myoclonic epilepsy. Also called: Myoclonic Epilepsies, Progressive; Familial progressive myoclonic epilepsy; Myoclonus epilepsy; Progressive myoclonus epilepsy. Identifiers: Orphanet 308, Orphanet 98261, MedGen C0751778, MONDO:0020074.

gnomAD v4.1: 2 of 1,546,346 alleles (0.00013%); highest among the groups gnomAD compares: South Asian, 0.0012%; no homozygotes.

Submission:

Labcorp Genetics (formerly Invitae), Labcorp
Classification: Likely pathogenic for Progressive myoclonic epilepsy. Last evaluated: 2025-12-10. Review status: criteria provided, single submitter. Criteria: Invitae Variant Classification Sherloc (09022015). Collection method: clinical testing. Allele origin: germline.
Comment: This sequence change affects the initiator codon of the GOSR2 mRNA. This change may impact translation initiation or efficiency. The next in-frame methionine is located at codon 19. This variant is not present in population databases (gnomAD no frequency). Disruption of the initiator codon has been observed in individual(s) with GORS2-related conditions (PMID: 29855340). In at least one individual the data is consistent with being in trans (on the opposite chromosome) from a pathogenic variant. Studies have shown that disruption of the initiator codon alters GOSR2 gene expression (PMID: 37074134). In summary, the currently available evidence indicates that the variant is pathogenic, but additional data are needed to prove that conclusively. Therefore, this variant has been classified as Likely Pathogenic.

Literature cited by the submitters: PubMed 29855340; PubMed 37074134.

NM_004287.5(GOSR2):c.2T>C (p.Met1Thr)

Genes: GOSR2 (golgi SNAP receptor complex member 2; plus strand), LRRC37A2 (leucine rich repeat containing 37 member A2). Cytogenetic location: 17q21.32.
Variant type: single nucleotide variant.
Coding change: c.2T>C on transcript NM_004287.5 (MANE Select); coding-DNA position 2, T replaced by C.
Protein change: p.Met1Thr; changes the start codon (methionine 1).
Molecular consequence: missense variant, initiator codon variant. On other transcripts: 5 prime UTR variant (2), non-coding transcript variant (3).
Genome position (GRCh38, 1-based): chr17:46,923,194, T>C. VCF-style: chr17-46923194-T-C. GRCh37 (hg19) VCF-style: chr17-45000560-T-C.
Other names: c.2T>C, p.Met1Thr (NM_001012511.3, NM_001321133.2, NM_001330252.2 and 4 more transcripts); c.-101T>C (NM_001321134.2); c.-464T>C (NM_001363851.2); short protein forms M1T.
Identifiers: ClinVar variation 4772388 (VCV004772388.1).